The following is an entry in ClinVar:

ClinVar aggregate classification (germline): Pathogenic (1 of 4 stars; one submission).

Conditions:
Primary ciliary dyskinesia. Also called: Ciliary dyskinesia. Identifiers: Orphanet 244, MedGen C0008780, MONDO:0016575, HP:0012265.

Submission:

Labcorp Genetics (formerly Invitae), Labcorp
Classification: Pathogenic for Primary ciliary dyskinesia. Last evaluated: 2024-02-01. Review status: criteria provided, single submitter. Criteria: Invitae Variant Classification Sherloc (09022015). Collection method: clinical testing. Allele origin: germline.
Comment: This sequence change creates a premature translational stop signal (p.Thr4414Lysfs*73) in the DNAH11 gene. While this is not anticipated to result in nonsense mediated decay, it is expected to disrupt the last 103 amino acid(s) of the DNAH11 protein. This variant is not present in population databases (gnomAD no frequency). This variant has not been reported in the literature in individuals affected with DNAH11-related conditions. This variant disrupts a region of the DNAH11 protein in which other variant(s) (p.Trp4505Serfs*10) have been determined to be pathogenic (Invitae). This suggests that this is a clinically significant region of the protein, and that variants that disrupt it are likely to be disease-causing. For these reasons, this variant has been classified as Pathogenic.

NM_001277115.2(DNAH11):c.13239_13240dup (p.Thr4414fs)

Gene: DNAH11 (dynein axonemal heavy chain 11; plus strand). Cytogenetic location: 7p15.3.
Variant type: Duplication.
Coding change: c.13239_13240dup on transcript NM_001277115.2 (MANE Select); coding-DNA positions 13239 to 13240, 2 bases duplicated (AA; older notation c.13239_13240dupAA).
Protein change: p.Thr4414fs; shifts the reading frame from threonine 4414.
Molecular consequence: frameshift variant.
Genome position (GRCh38, 1-based): chr7:21,900,056-21,900,057, AA duplicated; duplicating any 2 consecutive bases within chr7:21,900,051-21,900,057 gives the same sequence; the c. name uses the placement nearest the transcript's 3' end. VCF-style (leftmost placement, unchanged base first): chr7-21900050-C-CAA. GRCh37 (hg19) VCF-style: chr7-21939668-C-CAA.
Other names: short protein forms T4414fs.
Identifiers: ClinVar variation 3638010 (VCV003638010.2).